The following is an entry in ClinVar:

NM_000814.6(GABRB3):c.16G>A (p.Gly6Arg)

Gene: GABRB3 (gamma-aminobutyric acid type A receptor subunit beta3; minus strand). Cytogenetic location: 15q12.
Variant type: single nucleotide variant.
Coding change: c.16G>A on transcript NM_000814.6 (MANE Select); coding-DNA position 16, G replaced by A.
Protein change: p.Gly6Arg; replaces glycine 6 with arginine.
Molecular consequence: missense variant. On other transcripts: 5 prime UTR variant (1), intron variant (1).
Genome position (GRCh38, 1-based): chr15:26,772,947, C>T on the plus strand (G>A on the coding strand, the complement: GABRB3 is on the minus strand). VCF-style: chr15-26772947-C-T. GRCh37 (hg19) VCF-style: chr15-27018094-C-T.
Other names: c.-336G>A (NM_001278631.2); c.81-175G>A (NM_021912.5); short protein forms G6R.
Identifiers: ClinVar variation 2575677 (VCV002575677.1), dbSNP rs868185545, ClinGen allele CA391465680.

ClinVar aggregate classification (germline): Uncertain significance (1 of 4 stars; one submission).

Allele frequency attached by ClinVar (database versions not stated): gnomAD 0.00001.

Submission:

GeneDx
Classification: Uncertain significance. Last evaluated: 2023-02-14. Review status: criteria provided, single submitter. Criteria: GeneDx Variant Classification Process June 2021. Collection method: clinical testing. Allele origin: germline. Affected: yes.
Comment: Not observed at significant frequency in large population cohorts (gnomAD); In silico analysis supports that this missense variant does not alter protein structure/function; Has not been previously published as pathogenic or benign to our knowledge